The following is an entry in ClinVar:

NM_001353108.3(CEP63):c.222G>A (p.Glu74=)

Gene: CEP63 (centrosomal protein 63; plus strand). Cytogenetic location: 3q22.2.
Variant type: single nucleotide variant.
Coding change: c.222G>A on transcript NM_001353108.3 (MANE Select); coding-DNA position 222, G replaced by A.
Protein change: p.Glu74=; no amino-acid change (glutamic acid 74 retained).
Molecular consequence: synonymous variant. On other transcripts: 5 prime UTR variant (1), non-coding transcript variant (4).
Genome position (GRCh38, 1-based): chr3:134,507,286, G>A. VCF-style: chr3-134507286-G-A. GRCh37 (hg19) VCF-style: chr3-134226128-G-A.
Other names: c.222G>A, p.Glu74= (NM_001042383.2, NM_001042384.2, NM_001042400.3 and 13 more transcripts); c.249G>A, p.Glu83= (NM_001353118.1); c.138G>A, p.Glu46= (NM_001353125.2); c.-160G>A (NM_001353126.2).
Identifiers: ClinVar variation 1510005 (VCV001510005.4), dbSNP rs777134369, ClinGen allele CA2628292.

ClinVar aggregate classification (germline): Uncertain significance (1 of 4 stars; one submission).

Allele frequency attached by ClinVar (database versions not stated): gnomAD exomes 0.00006 and 0.00007; ExAC 0.00007; TOPMed 0.00010; gnomAD 0.00011 and 0.00012.
gnomAD v4.1: 113 of 1,604,902 alleles (0.007%); highest among the groups gnomAD compares: Admixed American, 0.02%; no homozygotes.

Submissions (2):

Labcorp Genetics (formerly Invitae), Labcorp
Classification: Uncertain significance. Last evaluated: 2022-08-16. Review status: criteria provided, single submitter. Criteria: Invitae Variant Classification Sherloc (09022015). Collection method: clinical testing. Allele origin: germline.
Comment: This sequence change affects codon 74 of the CEP63 mRNA. It is a 'silent' change, meaning that it does not change the encoded amino acid sequence of the CEP63 protein. This variant also falls at the last nucleotide of exon 4, which is part of the consensus splice site for this exon. The frequency data for this variant in the population databases is considered unreliable, as metrics indicate poor data quality at this position in the gnomAD database. This variant has not been reported in the literature in individuals affected with CEP63-related conditions. ClinVar contains an entry for this variant (Variation ID: 1510005). Variants that disrupt the consensus splice site are a relatively common cause of aberrant splicing (PMID: 17576681, 9536098). Algorithms developed to predict the effect of sequence changes on RNA splicing suggest that this variant may disrupt the consensus splice site. In summary, the available evidence is currently insufficient to determine the role of this variant in disease. Therefore, it has been classified as a Variant of Uncertain Significance.

Dr. Peter K. Rogan Lab, Western University
No classification provided (evidence only). Condition: Familial cancer of breast. Review status: no classification provided. Collection method: in vitro. Allele origin: not applicable. Functional consequence: retained intron. Not counted in ClinVar's aggregate classification.

Literature cited by the submitters: PubMed 17576681 (cited by Labcorp Genetics (formerly Invitae), Labcorp); PubMed 9536098 (cited by Labcorp Genetics (formerly Invitae), Labcorp).